The following is an entry in ClinVar:

ClinVar aggregate classification (germline): Uncertain significance. Review status: criteria provided, multiple submitters, no conflicts (2 of 4 stars). 2 submissions from 2 submitters: Uncertain significance (2). Last evaluated 2025-06-03.

Conditions:
Inborn genetic diseases. Identifiers: MedGen C0950123, MeSH D030342.

Allele frequency attached by ClinVar (database versions not stated): ExAC 0.00002; gnomAD 0.00004; TOPMed 0.00005.
gnomAD v4.1: 47 of 1,613,864 alleles (0.0029%); highest among the groups gnomAD compares: African/African-American, 0.011%; no homozygotes.

Submissions (2):

Ambry Genetics
Classification: Uncertain significance for Inborn genetic diseases. Last evaluated: 2025-06-03. Review status: criteria provided, single submitter. Criteria: Ambry Variant Classification Scheme 2023. Collection method: clinical testing. Allele origin: germline.

Labcorp Genetics (formerly Invitae), Labcorp
Classification: Uncertain significance. Last evaluated: 2023-12-04. Review status: criteria provided, single submitter. Criteria: Invitae Variant Classification Sherloc (09022015). Collection method: clinical testing. Allele origin: germline.
Comment: This sequence change replaces valine, which is neutral and non-polar, with methionine, which is neutral and non-polar, at codon 1230 of the DCHS1 protein (p.Val1230Met). This variant is present in population databases (rs775773733, gnomAD 0.006%). This variant has not been reported in the literature in individuals affected with DCHS1-related conditions. ClinVar contains an entry for this variant (Variation ID: 2421560). Advanced modeling of protein sequence and biophysical properties (such as structural, functional, and spatial information, amino acid conservation, physicochemical variation, residue mobility, and thermodynamic stability) performed at Invitae indicates that this missense variant is not expected to disrupt DCHS1 protein function with a negative predictive value of 80%. In summary, the available evidence is currently insufficient to determine the role of this variant in disease. Therefore, it has been classified as a Variant of Uncertain Significance.

NM_003737.4(DCHS1):c.3688G>A (p.Val1230Met)

Gene: DCHS1 (dachsous cadherin-related 1; minus strand). Cytogenetic location: 11p15.4.
Variant type: single nucleotide variant.
Coding change: c.3688G>A on transcript NM_003737.4 (MANE Select); coding-DNA position 3688, G replaced by A.
Protein change: p.Val1230Met; replaces valine 1230 with methionine.
Molecular consequence: missense variant.
Genome position (GRCh38, 1-based): chr11:6,631,395, C>T on the plus strand (G>A on the coding strand, the complement: DCHS1 is on the minus strand). VCF-style: chr11-6631395-C-T. GRCh37 (hg19) VCF-style: chr11-6652626-C-T.
Other names: c.3688G>A (NM_003737.2); short protein forms V1230M.
Identifiers: ClinVar variation 2421560 (VCV002421560.5), dbSNP rs775773733, ClinGen allele CA5860455.